The following is an entry in ClinVar:

ClinVar aggregate classification (germline): Likely benign (1 of 4 stars; one submission).

gnomAD v4.1: 43 of 1,613,068 alleles (0.0027%); highest among the groups gnomAD compares: East Asian, 0.0067%; no homozygotes.

Submission:

CeGaT Center for Human Genetics Tuebingen
Classification: Likely benign. Last evaluated: 2026-05-01. Review status: criteria provided, single submitter. Criteria: CeGaT Center For Human Genetics Tuebingen Variant Classification Criteria Version 2. Collection method: clinical testing. Allele origin: germline. Affected: yes. Observed: 1 variant allele.
Comment: TET3: BP4, BP7

NM_001287491.2(TET3):c.4965C>T (p.Ala1655=)

Gene: TET3 (tet methylcytosine dioxygenase 3; plus strand). Cytogenetic location: 2p13.1.
Variant type: single nucleotide variant.
Coding change: c.4965C>T on transcript NM_001287491.2 (MANE Select); coding-DNA position 4965, C replaced by T.
Protein change: p.Ala1655=; no amino-acid change (alanine 1655 retained).
Molecular consequence: synonymous variant.
Genome position (GRCh38, 1-based): chr2:74,101,753, C>T. VCF-style: chr2-74101753-C-T. GRCh37 (hg19) VCF-style: chr2-74328880-C-T.
Other names: c.4686C>T, p.Ala1562= (NM_001366022.1).
Identifiers: ClinVar variation 4873773 (VCV004873773.2).
Genomic context (GRCh38, chr2:74,101,753, plus strand): 5'-GGAGGAGCTGTGGTCGGACAGTGAACACAACTTCCTGGACGAGAACATCGGCGGCGTGGC[C>T]GTGGCCCCAGCCCACGGCTCCATCCTCATCGAGTGTGCCCGGCGGGAGCTGCACGCCACC-3'
Protein context (NP_001274420.1, residues 1645-1665): NFLDENIGGV[Ala1655=]VAPAHGSILI